The following is an entry in ClinVar:

NM_001379659.1(ZNF142):c.2221G>T (p.Ala741Ser)

Gene: ZNF142 (zinc finger protein 142; minus strand). Cytogenetic location: 2q35.
Variant type: single nucleotide variant.
Coding change: c.2221G>T on transcript NM_001379659.1 (MANE Select); coding-DNA position 2221, G replaced by T.
Protein change: p.Ala741Ser; replaces alanine 741 with serine.
Molecular consequence: missense variant.
Genome position (GRCh38, 1-based): chr2:218,644,895, C>A on the plus strand (G>T on the coding strand, the complement: ZNF142 is on the minus strand). VCF-style: chr2-218644895-C-A. GRCh37 (hg19) VCF-style: chr2-219509618-C-A.
Other names: c.1132G>T, p.Ala378Ser (NM_001366287.3, NM_001366288.3, NM_001366289.3); c.2221G>T, p.Ala741Ser (NM_001366290.3, NM_001379660.1, NM_001379661.1); c.1621G>T, p.Ala541Ser (NM_001366291.3, NM_001105537.5, NM_001379662.1); c.2221G>T (NM_001366290.1); short protein forms A378S, A541S, A741S.
Identifiers: ClinVar variation 1265574 (VCV001265574.6), dbSNP rs2230115, ClinGen allele CA2109193.

ClinVar aggregate classification (germline): Benign. Review status: criteria provided, multiple submitters, no conflicts (2 of 4 stars). 4 submissions from 4 submitters: Benign (3). 1 of the submissions does not count toward it. Last evaluated 2021-12-05.

Conditions:
ZNF142-related disorder. Also called: ZNF142-related condition.
Neurodevelopmental disorder with impaired speech and hyperkinetic movements. Identifiers: MedGen C5193088, MONDO:0032741, OMIM 618425.

Allele frequency attached by ClinVar (database versions not stated): ESP Exome Variant Server 0.43893; TOPMed 0.44908; 1000 Genomes Project 30x 0.50547; ExAC 0.57408; gnomAD exomes 0.57658 and 0.58240; gnomAD 0.44983 and 0.46511; 1000 Genomes Project 0.51637.
gnomAD v4.1: 913,371 of 1,613,806 alleles (57%); highest among the groups gnomAD compares: East Asian, 82%; 268,041 homozygotes.

Submissions (4):

Genome-Nilou Lab
Classification: Benign for Neurodevelopmental disorder with impaired speech and hyperkinetic movements. Last evaluated: 2021-12-05. Review status: criteria provided, single submitter. Criteria: ACMG Guidelines, 2015. Collection method: clinical testing. Allele origin: germline. Affected: no.

GeneDx
Classification: Benign. Last evaluated: 2021-05-05. Review status: criteria provided, single submitter. Criteria: GeneDx Variant Classification Process June 2021. Collection method: clinical testing. Allele origin: germline. Affected: yes.
Comment: This variant is associated with the following publications: (PMID: 27346685)

Breakthrough Genomics
Classification: Benign. Review status: criteria provided, single submitter. Criteria: ACMG Guidelines, 2015. Collection method: not provided. Allele origin: germline. Inheritance: Autosomal recessive inheritance. Affected: yes.

PreventionGenetics, part of Exact Sciences
Classification: Benign for ZNF142-related condition. Last evaluated: 2019-10-30. Review status: no assertion criteria provided. Collection method: clinical testing. Allele origin: germline. Not counted in ClinVar's aggregate classification.
Comment: This variant is classified as benign based on ACMG/AMP sequence variant interpretation guidelines (Richards et al. 2015 PMID: 25741868, with internal and published modifications).